The following is an entry in ClinVar:

NC_000020.10:g.(?_62559699)_(62680869_?)dup

Genes: DNAJC5 (DnaJ heat shock protein family (Hsp40) member C5; plus strand), PRPF6 (pre-mRNA processing factor 6; plus strand), SAMD10 (sterile alpha motif domain containing 10; minus strand), SOX18 (SRY-box transcription factor 18; minus strand), UCKL1 (uridine-cytidine kinase 1 like 1; minus strand) and 1 more. Cytogenetic location: 20q13.33.
Variant type: Duplication.
Identifiers: ClinVar variation 2425821 (VCV002425821.3).

ClinVar aggregate classification (germline): Uncertain significance (1 of 4 stars; one submission).

Submission:

Labcorp Genetics (formerly Invitae), Labcorp
Classification: Uncertain significance. Last evaluated: 2022-04-20. Review status: criteria provided, single submitter. Criteria: Invitae Variant Classification Sherloc (09022015). Collection method: clinical testing. Allele origin: germline.
Comment: A copy number gain of the genomic region encompassing the full coding sequence of the PRPF6 gene has been identified. The boundaries of this event are unknown as they extend beyond the assayed region for this gene and therefore may encompass additional genes. As the precise location of this event is unknown, it may be in tandem or it may be located elsewhere in the genome. This variant has not been reported in the literature in individuals affected with PRPF6-related conditions. In summary, the available evidence is currently insufficient to determine the role of this variant in disease. Therefore, it has been classified as a Variant of Uncertain Significance.